The following is an entry in ClinVar:

ClinVar aggregate classification (germline): Uncertain significance (1 of 4 stars; one submission).

Conditions:
T-cell immunodeficiency, congenital alopecia, and nail dystrophy. Also called: Congenital alopecia and nail dystrophy associated with severe functional T-cell immunodeficiency; Pignata Guarino syndrome. Identifiers: Orphanet 169095, MedGen C1866426, MONDO:0011132, OMIM 601705.

gnomAD v4.1: 2 of 1,598,728 alleles (0.00013%); highest among the groups gnomAD compares: Non-Finnish European, 0.00017%; no homozygotes.

Submission:

Victorian Clinical Genetics Services, Murdoch Childrens Research Institute
Classification: Uncertain significance for T-cell immunodeficiency, congenital alopecia, and nail dystrophy. Last evaluated: 2025-03-26. Review status: criteria provided, single submitter. Criteria: ACMG Guidelines, 2015. Collection method: clinical testing. Allele origin: germline. Affected: yes.
Comment: This variant is classified as VUS-3A. Evidence in support of pathogenic classification: Canonical splice site variant without proven consequence on splicing (no functional evidence available); Variant is present in gnomAD <0.01 (v4: 2 heterozygote(s), 0 homozygote(s); Abnormal splicing is predicted by in silico tool and affected nucleotide is highly conserved. Additional information: This variant is heterozygous; This gene is associated with both recessive and dominant disease (OMIM). - Alternative nucleotide change(s) at the same canonical splice site, are present in gnomAD (Highest allele count: v4: 1 heterozygote(s), 0 homozygote(s); This variant has no previous evidence of pathogenicity; No published segregation evidence has been identified for this variant; No published functional evidence has been identified for this variant; No comparable splice variants have previous evidence for pathogenicity; Loss of function is a known mechanism of disease in this gene and is associated with T-cell immunodeficiency, congenital alopecia, and nail dystrophy (MONDO:0011132); The condition associated with this gene has incomplete penetrance. Heterozygous variants in this gene have been reported to be inherited from unaffected parents (OMIM, PMID: 38800615); Variants in this gene are known to have variable expressivity. Heterozygous variants have been reported to be associated with variable severity and phenotype (OMIM, PMID: 38800615); Inheritance information for this variant is not currently available in this individual.

Literature cited by the submitters: PubMed 38800615.

NM_001369369.1(FOXN1):c.588+1G>A

Gene: FOXN1 (forkhead box N1; plus strand). Cytogenetic location: 17q11.2.
Variant type: single nucleotide variant.
Coding change: c.588+1G>A on transcript NM_001369369.1 (MANE Select); the canonical splice donor site of the intron after coding-DNA position 588, G replaced by A.
Molecular consequence: splice donor variant.
Genome position (GRCh38, 1-based): chr17:28,524,968, G>A. VCF-style: chr17-28524968-G-A. GRCh37 (hg19) VCF-style: chr17-26851986-G-A.
Other names: c.588+1G>A (NM_003593.3).
Identifiers: ClinVar variation 4531642 (VCV004531642.1).
Genomic context (GRCh38, chr17:28,524,968, plus strand): 5'-GCAGAGGCCTGGTGTAACGGGCTCCCCTACCCCAGCCAGGAGCATGGCCCCCAAGTCCTG[G>A]TGAGTACTAGTGGCCAGCGAGTGTCCCATCTTCCCACTGTCCCAGTTCCTAGCAGCCTAG-3'